The following is an entry in ClinVar:

ClinVar aggregate classification (germline): Pathogenic (1 of 4 stars; one submission).

Conditions:
Cohen syndrome (COH1). Also called: PEPPER SYNDROME; Cutis verticis gyrata, retinitis pigmentosa, and sensorineural deafness. Identifiers: Orphanet 193, MedGen C0265223, MONDO:0008999, OMIM 216550.

Submission:

Myriad Genetics, Inc.
Classification: Pathogenic for Cohen syndrome. Last evaluated: 2026-05-27. Review status: criteria provided, single submitter. Criteria: Myriad Autosomal Dominant, Autosomal Recessive and X-Linked Classification Criteria (2023). Collection method: clinical testing. Allele origin: unknown.
Comment: NM_017890.4(VPS13B):c.6400delA(I2134Ffs*9) is a frameshift variant classified as pathogenic in the context of Cohen syndrome. I2134Ffs*9 has not been observed in cases with relevant disease. Relevant functional assessments of this variant are not available in the literature. I2134Ffs*9 has not been observed in referenced population frequency databases. In summary, NM_017890.4(VPS13B):c.6400delA(I2134Ffs*9) is a frameshift variant in a gene where loss of function is a known mechanism of disease and is predicted to disrupt protein function. Please note: this variant was assessed in the context of healthy population screening.

NM_152564.5(VPS13B):c.6325del (p.Ile2109fs)

Gene: VPS13B (vacuolar protein sorting 13 homolog B; plus strand). Cytogenetic location: 8q22.2.
Variant type: Deletion.
Coding change: c.6325del on transcript NM_152564.5 (MANE Select); coding-DNA position 6325, one base deleted (A; older notation c.6325delA).
Protein change: p.Ile2109fs; shifts the reading frame from isoleucine 2109.
Molecular consequence: frameshift variant.
Genome position (GRCh38, 1-based): chr8:99,699,803, A deleted; the last of 6 consecutive A bases (chr8:99,699,798-99,699,803); deleting any one gives the same sequence. VCF-style (leftmost placement, unchanged base first): chr8-99699797-CA-C. GRCh37 (hg19) VCF-style: chr8-100712025-CA-C.
Other names: c.6400del, p.Ile2134fs (NM_017890.5); short protein forms I2134fs, I2109fs.
Identifiers: ClinVar variation 5004896 (VCV005004896.1).
Genomic context (GRCh38, chr8:99,699,797, plus strand): 5'-GGTGATGGAGTGCAAAAGATTTCAGCTCAAGAAAACATGTGGAGAGCTGTTTCCTGCTTT[CA>C]AAAAATTTCTGTTCAAACTACTCAGATTGTGATCTCCATGGAAACTGTACCCCATACCAG-3'